The following is an entry in ClinVar:

ClinVar aggregate classification (germline): Benign/Likely benign. Review status: criteria provided, multiple submitters, no conflicts (2 of 4 stars). 3 submissions from 3 submitters: Benign (1); Likely benign (2). Last evaluated 2025-12-17.

Conditions:
Glycogen storage disease due to muscle beta-enolase deficiency (GSD13). Also called: Glycogen Storage Disease Type XIII; ENOLASE 3 DEFICIENCY; ENOLASE-BETA DEFICIENCY; GSD XIII. Identifiers: Orphanet 99849, MedGen C2752027, MONDO:0013046, OMIM 612932.

Allele frequency attached by ClinVar (database versions not stated): gnomAD 0.00006 and 0.00029; TOPMed 0.00010; gnomAD exomes 0.00067 and 0.00127; ExAC 0.00124; 1000 Genomes Project 0.00160; 1000 Genomes Project 30x 0.00172.
gnomAD v4.1: 1,006 of 1,614,160 alleles (0.062%); highest among the groups gnomAD compares: South Asian, 0.98%; 19 homozygotes.

Submissions (3):

Labcorp Genetics (formerly Invitae), Labcorp
Classification: Benign for Glycogen storage disease due to muscle beta-enolase deficiency. Last evaluated: 2025-12-17. Review status: criteria provided, single submitter. Criteria: Invitae Variant Classification Sherloc (09022015). Collection method: clinical testing. Allele origin: germline.

CeGaT Center for Human Genetics Tuebingen
Classification: Likely benign. Last evaluated: 2025-07-01. Review status: criteria provided, single submitter. Criteria: CeGaT Center For Human Genetics Tuebingen Variant Classification Criteria Version 2. Collection method: clinical testing. Allele origin: germline. Affected: yes. Observed: 1 variant allele.
Comment: ENO3: BS2

Illumina Laboratory Services, Illumina
Classification: Likely benign for Glycogen storage disease due to muscle beta-enolase deficiency. Last evaluated: 2018-01-13. Review status: criteria provided, single submitter. Criteria: ICSL Variant Classification Criteria 13 December 2019. Collection method: clinical testing. Allele origin: germline.
Comment: This variant was observed in the ICSL laboratory as part of a predisposition screen in an ostensibly healthy population. It had not been previously curated by ICSL or reported in the Human Gene Mutation Database (HGMD: prior to June 1st, 2018), and was therefore a candidate for classification through an automated scoring system. Utilizing variant allele frequency, disease prevalence and penetrance estimates, and inheritance mode, an automated score was calculated to assess if this variant is too frequent to cause the disease. Based on the score and internal cut-off values, a variant classified as likely benign is not then subjected to further curation. The score for this variant resulted in a classification of likely benign for this disease.

NM_053013.4(ENO3):c.1208G>A (p.Arg403His)

Gene: ENO3 (enolase 3; plus strand). Cytogenetic location: 17p13.2.
Variant type: single nucleotide variant.
Coding change: c.1208G>A on transcript NM_053013.4 (MANE Select); coding-DNA position 1208, G replaced by A.
Protein change: p.Arg403His; replaces arginine 403 with histidine.
Molecular consequence: missense variant.
Genome position (GRCh38, 1-based): chr17:4,956,862, G>A. VCF-style: chr17-4956862-G-A. GRCh37 (hg19) VCF-style: chr17-4860157-G-A.
Other names: c.1079G>A, p.Arg360His (NM_001193503.2); c.1208G>A, p.Arg403His (NM_001976.5); short protein forms R403H, R360H.
Identifiers: ClinVar variation 324151 (VCV000324151.22), dbSNP rs561474067, ClinGen allele CA8316604.